The following is an entry in ClinVar:

ClinVar aggregate classification (germline): Likely benign. Review status: criteria provided, single submitter (1 of 4 stars). 2 submissions from 2 submitters: Likely benign (1). 1 of the submissions does not count toward it. Last evaluated 2024-07-23.

Conditions:
TRIOBP-related disorder. Also called: TRIOBP-related condition.

Allele frequency attached by ClinVar (database versions not stated): TOPMed 0.00002; gnomAD 0.00005; gnomAD exomes 0.00006; ExAC 0.00014; 1000 Genomes Project 30x 0.00016; 1000 Genomes Project 0.00020.
gnomAD v4.1: 101 of 1,614,062 alleles (0.0063%); highest among the groups gnomAD compares: Middle Eastern, 0.13%; no homozygotes.

Submissions (2):

Blueprint Genetics
Classification: Likely benign. Last evaluated: 2024-07-23. Review status: criteria provided, single submitter. Criteria: ACMG Guidelines, 2015. Collection method: clinical testing. Allele origin: germline.

PreventionGenetics, part of Exact Sciences
Classification: Likely benign for TRIOBP-related condition. Last evaluated: 2019-05-07. Review status: no assertion criteria provided. Collection method: clinical testing. Allele origin: germline. Not counted in ClinVar's aggregate classification.
Comment: This variant is classified as likely benign based on ACMG/AMP sequence variant interpretation guidelines (Richards et al. 2015 PMID: 25741868, with internal and published modifications).

NM_001039141.3(TRIOBP):c.837C>T (p.Ser279=)

Gene: TRIOBP (TRIO and F-actin binding protein; plus strand). Cytogenetic location: 22q13.1.
Variant type: single nucleotide variant.
Coding change: c.837C>T on transcript NM_001039141.3 (MANE Select); coding-DNA position 837, C replaced by T.
Protein change: p.Ser279=; no amino-acid change (serine 279 retained).
Molecular consequence: synonymous variant.
Genome position (GRCh38, 1-based): chr22:37,723,393, C>T. VCF-style: chr22-37723393-C-T. GRCh37 (hg19) VCF-style: chr22-38119400-C-T.
Identifiers: ClinVar variation 3037240 (VCV003037240.3), dbSNP rs563131158, ClinGen allele CA10223461.
Genomic context (GRCh38, chr22:37,723,393, plus strand): 5'-TTCTCCTGCCCAAAGGGACACTGCTCAGGCTGCCTCTACACGTGAAATCCCCAGAGCCTC[C>T]TCTCCCCATCGAATCACCCAAAGGGACACCTCCAGGGCCTCATCCACCCAACAGGAAATC-3'
Protein context (NP_001034230.1, residues 269-289): AASTREIPRA[Ser279=]SPHRITQRDT